The following is an entry in ClinVar:

NM_032228.6(FAR1):c.217C>A (p.Pro73Thr)

Gene: FAR1 (fatty acyl-CoA reductase 1; plus strand). Cytogenetic location: 11p15.3.
Variant type: single nucleotide variant.
Coding change: c.217C>A on transcript NM_032228.6 (MANE Select); coding-DNA position 217, C replaced by A.
Protein change: p.Pro73Thr; replaces proline 73 with threonine.
Molecular consequence: missense variant.
Genome position (GRCh38, 1-based): chr11:13,700,344, C>A. VCF-style: chr11-13700344-C-A. GRCh37 (hg19) VCF-style: chr11-13721891-C-A.
Other names: short protein forms P73T.
Identifiers: ClinVar variation 2094248 (VCV002094248.4), dbSNP rs2500114067, ClinGen allele CA379856376.

ClinVar aggregate classification (germline): Uncertain significance (1 of 4 stars; one submission).

Submission:

Labcorp Genetics (formerly Invitae), Labcorp
Classification: Uncertain significance. Last evaluated: 2022-09-10. Review status: criteria provided, single submitter. Criteria: Invitae Variant Classification Sherloc (09022015). Collection method: clinical testing. Allele origin: germline.
Comment: Advanced modeling of protein sequence and biophysical properties (such as structural, functional, and spatial information, amino acid conservation, physicochemical variation, residue mobility, and thermodynamic stability) performed at Invitae indicates that this missense variant is not expected to disrupt FAR1 protein function. This variant has not been reported in the literature in individuals affected with FAR1-related conditions. This variant is not present in population databases (gnomAD no frequency). This sequence change replaces proline, which is neutral and non-polar, with threonine, which is neutral and polar, at codon 73 of the FAR1 protein (p.Pro73Thr). In summary, the available evidence is currently insufficient to determine the role of this variant in disease. Therefore, it has been classified as a Variant of Uncertain Significance.